The following is an entry in ClinVar:

NM_004260.4(RECQL4):c.2833T>A (p.Cys945Ser)

Gene: RECQL4 (RecQ like helicase 4; minus strand). Cytogenetic location: 8q24.3.
Variant type: single nucleotide variant.
Coding change: c.2833T>A on transcript NM_004260.4 (MANE Select); coding-DNA position 2833, T replaced by A.
Protein change: p.Cys945Ser; replaces cysteine 945 with serine.
Molecular consequence: missense variant. On other transcripts: non-coding transcript variant (3).
Genome position (GRCh38, 1-based): chr8:144,512,694, A>T on the plus strand (T>A on the coding strand, the complement: RECQL4 is on the minus strand). VCF-style: chr8-144512694-A-T. GRCh37 (hg19) VCF-style: chr8-145738077-A-T.
Other names: c.2539T>A, p.Cys847Ser (NM_001413017.1); c.2635T>A, p.Cys879Ser (NM_001413018.1); c.2908T>A, p.Cys970Ser (NM_001413019.1); c.2737T>A, p.Cys913Ser (NM_001413020.1); c.1762T>A, p.Cys588Ser (NM_001413021.1, NM_001413022.1, NM_001413024.1 and 4 more transcripts); c.1837T>A, p.Cys613Ser (NM_001413023.1); c.2704T>A, p.Cys902Ser (NM_001413025.1); c.1696T>A, p.Cys566Ser (NM_001413027.1, NM_001413030.1, NM_001413032.1); and 9 more; short protein forms C456S, C588S, C828S, C847S, C566S, C578S, C591S, C902S.
Identifiers: ClinVar variation 4152427 (VCV004152427.1).
Genomic context (GRCh38, chr8:144,512,694, plus strand): 5'-GTGCTTACCTGTGGGCCAGGGCCTGGAGCTGGGCAGGGCCCCCAGGGCAGTTCAGACGGC[A>T]ATGGGTATAGGTGGTCGCCAGCAGCTCCAGCCAGTGGTGTGGGTGCAGCTCCAGGTAGCA-3'
Protein context (NP_004251.4, residues 935-955): LELLATTYTH[Cys945Ser]RLNCPGGPAQ

ClinVar aggregate classification (germline): Uncertain significance (1 of 4 stars; one submission).

Conditions:
Inborn genetic diseases. Identifiers: MedGen C0950123, MeSH D030342.

Submission:

Ambry Genetics
Classification: Uncertain significance for Inborn genetic diseases. Last evaluated: 2025-08-22. Review status: criteria provided, single submitter. Criteria: Ambry Variant Classification Scheme 2023. Collection method: clinical testing. Allele origin: germline.
Comment: The p.C945S variant (also known as c.2833T>A), located in coding exon 16 of the RECQL4 gene, results from a T to A substitution at nucleotide position 2833. The cysteine at codon 945 is replaced by serine, an amino acid with dissimilar properties. This amino acid position is conserved. In addition, this alteration is predicted to be tolerated by in silico analysis. Based on the available evidence, the clinical significance of this variant remains unclear.